The following is an entry in ClinVar:

ClinVar aggregate classification (germline): Pathogenic (1 of 4 stars; one submission).

Submission:

GeneDx
Classification: Pathogenic. Last evaluated: 2017-03-17. Review status: criteria provided, single submitter. Criteria: GeneDx Variant Classification (06012015). Collection method: clinical testing. Allele origin: germline. Affected: yes.
Comment: The c.102-1G>T variant in the AGK gene has not been reported previously as a pathogenic variant nor as a benign variant, to our knowledge. This splice site variant destroys the canonical splice acceptor site in intron 2. The adjacent exon is predicted to be out of frame, causing abnormal gene splicing, either leading to an abnormal message that is subject to nonsense-mediated mRNA decay, or to an abnormal protein product if the message is used for protein translation. The c.102-1G>T variant was not observed in approximately 6500 individuals of European and African American ancestry in the NHLBI Exome Sequencing Project, indicating it is not a common benign variant in these populations. Therefore, we interpret c.102-1G>T as a pathogenic variant.

NM_018238.4(AGK):c.102-1G>T

Gene: AGK (acylglycerol kinase; plus strand). Cytogenetic location: 7q34.
Variant type: single nucleotide variant.
Coding change: c.102-1G>T on transcript NM_018238.4 (MANE Select); the canonical splice acceptor site of the intron before coding-DNA position 102, G replaced by T.
Molecular consequence: splice acceptor variant.
Genome position (GRCh38, 1-based): chr7:141,593,145, G>T. VCF-style: chr7-141593145-G-T. GRCh37 (hg19) VCF-style: chr7-141292945-G-T.
Other names: c.102-1G>T (NM_001364948.3).
Identifiers: ClinVar variation 280668 (VCV000280668.2), dbSNP rs886041835, ClinGen allele CA10603033.